The following is an entry in ClinVar:

NM_080860.4(RSPH1):c.433C>A (p.Gln145Lys)

Gene: RSPH1 (radial spoke head component 1; minus strand). Cytogenetic location: 21q22.3.
Variant type: single nucleotide variant.
Coding change: c.433C>A on transcript NM_080860.4 (MANE Select); coding-DNA position 433, C replaced by A.
Protein change: p.Gln145Lys; replaces glutamine 145 with lysine.
Molecular consequence: missense variant.
Genome position (GRCh38, 1-based): chr21:42,485,737, G>T on the plus strand (C>A on the coding strand, the complement: RSPH1 is on the minus strand). VCF-style: chr21-42485737-G-T. GRCh37 (hg19) VCF-style: chr21-43905847-G-T.
Other names: c.319C>A, p.Gln107Lys (NM_001286506.2); short protein forms Q145K, Q107K.
Identifiers: ClinVar variation 454944 (VCV000454944.9), dbSNP rs778786028, ClinGen allele CA10043938.

ClinVar aggregate classification (germline): Uncertain significance (1 of 4 stars; one submission).

Conditions:
Primary ciliary dyskinesia. Also called: Ciliary dyskinesia. Identifiers: Orphanet 244, MedGen C0008780, MONDO:0016575, HP:0012265.

Allele frequency attached by ClinVar (database versions not stated): gnomAD exomes 0.00001; ExAC 0.00002.
gnomAD v4.1: 4 of 1,614,150 alleles (0.00025%); highest among the groups gnomAD compares: Non-Finnish European, 0.00025%; no homozygotes.

Submission:

Labcorp Genetics (formerly Invitae), Labcorp
Classification: Uncertain significance for Primary ciliary dyskinesia. Last evaluated: 2022-08-23. Review status: criteria provided, single submitter. Criteria: Invitae Variant Classification Sherloc (09022015). Collection method: clinical testing. Allele origin: germline.
Comment: In summary, the available evidence is currently insufficient to determine the role of this variant in disease. Therefore, it has been classified as a Variant of Uncertain Significance. Algorithms developed to predict the effect of missense changes on protein structure and function are either unavailable or do not agree on the potential impact of this missense change (SIFT: "Tolerated"; PolyPhen-2: "Possibly Damaging"; Align-GVGD: "Class C0"). ClinVar contains an entry for this variant (Variation ID: 454944). This variant has not been reported in the literature in individuals affected with RSPH1-related conditions. This variant is present in population databases (rs778786028, gnomAD 0.003%). This sequence change replaces glutamine, which is neutral and polar, with lysine, which is basic and polar, at codon 145 of the RSPH1 protein (p.Gln145Lys).